The following is an entry in ClinVar:

NM_001453.3(FOXC1):c.1399C>T (p.Gln467Ter)

Gene: FOXC1 (forkhead box C1; plus strand). Cytogenetic location: 6p25.3.
Variant type: single nucleotide variant.
Coding change: c.1399C>T on transcript NM_001453.3 (MANE Select); coding-DNA position 1399, C replaced by T.
Protein change: p.Gln467Ter; replaces glutamine 467 with a stop codon.
Molecular consequence: nonsense.
Genome position (GRCh38, 1-based): chr6:1,611,844, C>T. VCF-style: chr6-1611844-C-T. GRCh37 (hg19) VCF-style: chr6-1612079-C-T.
Other names: short protein forms Q467*.
Identifiers: ClinVar variation 932292 (VCV000932292.7), dbSNP rs1297907614, ClinGen allele CA362560843.

ClinVar aggregate classification (germline): Pathogenic. Review status: criteria provided, single submitter (1 of 4 stars). 2 submissions from 2 submitters: Pathogenic (1). 1 of the submissions does not count toward it. Last evaluated 2022-08-15.

Conditions:
Anterior segment dysgenesis. Also called: Ocular anterior segment dysgenesis. Identifiers: Orphanet 88632, MedGen C1862839, MONDO:0019503, HP:0007700.
Axenfeld-Rieger syndrome type 3 (RIEG3). Also called: AXENFELD-RIEGER ANOMALY WITH CARDIAC DEFECTS AND/OR SENSORINEURAL HEARING LOSS. Identifiers: Orphanet 782, MedGen C2678503, MONDO:0011233, OMIM 602482.

Submissions (2):

Labcorp Genetics (formerly Invitae), Labcorp
Classification: Pathogenic for Axenfeld-Rieger syndrome type 3. Last evaluated: 2022-08-15. Review status: criteria provided, single submitter. Criteria: Invitae Variant Classification Sherloc (09022015). Collection method: clinical testing. Allele origin: germline.
Comment: For these reasons, this variant has been classified as Pathogenic. This variant disrupts a region of the FOXC1 protein in which other variant(s) (p.Tyr497*) have been determined to be pathogenic (PMID: 28513611; Invitae). This suggests that this is a clinically significant region of the protein, and that variants that disrupt it are likely to be disease-causing. ClinVar contains an entry for this variant (Variation ID: 932292). This premature translational stop signal has been observed in individual(s) with Peter's anomaly (PMID: 32499604). This variant is not present in population databases (gnomAD no frequency). This sequence change creates a premature translational stop signal (p.Gln467*) in the FOXC1 gene. While this is not anticipated to result in nonsense mediated decay, it is expected to disrupt the last 87 amino acid(s) of the FOXC1 protein.

Eye Genetics Research Group, Children's Medical Research Institute
Classification: Pathogenic for Anterior segment dysgenesis. Last evaluated: 2020-03-31. Review status: no assertion criteria provided. Collection method: clinical testing. Allele origin: germline. Affected: yes. Not counted in ClinVar's aggregate classification.

Literature cited by the submitters: PubMed 28513611 (cited by Labcorp Genetics (formerly Invitae), Labcorp); PubMed 32499604 (cited by Labcorp Genetics (formerly Invitae), Labcorp and Eye Genetics Research Group, Children's Medical Research Institute).